The following is an entry in ClinVar:

NM_173354.5(SIK1):c.1373A>G (p.Gln458Arg)

Gene: SIK1 (salt inducible kinase 1; minus strand). Cytogenetic location: 21q22.3.
Variant type: single nucleotide variant.
Coding change: c.1373A>G on transcript NM_173354.5 (MANE Select); coding-DNA position 1373, A replaced by G.
Protein change: p.Gln458Arg; replaces glutamine 458 with arginine.
Molecular consequence: missense variant.
Genome position (GRCh38, 1-based): chr21:43,419,110, T>C on the plus strand (A>G on the coding strand, the complement: SIK1 is on the minus strand). VCF-style: chr21-43419110-T-C. GRCh37 (hg19) VCF-style: chr21-44838990-T-C.
Other names: short protein forms Q458R.
Identifiers: ClinVar variation 943005 (VCV000943005.10), dbSNP rs2081045420, ClinGen allele CA410608139.

ClinVar aggregate classification (germline): Uncertain significance (1 of 4 stars; one submission).

Conditions:
Developmental and epileptic encephalopathy, 30 (DEE30). Also called: Epileptic encephalopathy, early infantile, 30. Identifiers: MedGen C4225360, MONDO:0014595, OMIM 616341.

Submission:

Labcorp Genetics (formerly Invitae), Labcorp
Classification: Uncertain significance for Developmental and epileptic encephalopathy, 30. Last evaluated: 2021-06-19. Review status: criteria provided, single submitter. Criteria: Invitae Variant Classification Sherloc (09022015). Collection method: clinical testing. Allele origin: germline.
Comment: In summary, the available evidence is currently insufficient to determine the role of this variant in disease. Therefore, it has been classified as a Variant of Uncertain Significance. Algorithms developed to predict the effect of missense changes on protein structure and function output the following: SIFT: "Tolerated"; PolyPhen-2: "Benign"; Align-GVGD: "Class C0". The arginine amino acid residue is found in multiple mammalian species, suggesting that this missense change does not adversely affect protein function. These predictions have not been confirmed by published functional studies and their clinical significance is uncertain. This variant has not been reported in the literature in individuals with SIK1-related conditions. This variant is not present in population databases (ExAC no frequency). This sequence change replaces glutamine with arginine at codon 458 of the SIK1 protein (p.Gln458Arg). The glutamine residue is moderately conserved and there is a small physicochemical difference between glutamine and arginine.